The following is an entry in ClinVar:

ClinVar aggregate classification (germline): Uncertain significance. Review status: criteria provided, multiple submitters, no conflicts (2 of 4 stars). 2 submissions from 2 submitters: Uncertain significance (2). Last evaluated 2021-08-31.

Allele frequency attached by ClinVar (database versions not stated): gnomAD 0.00004 and 0.00009; gnomAD exomes 0.00008 and 0.00019; TOPMed 0.00017; ExAC 0.00019; 1000 Genomes Project 0.00060; 1000 Genomes Project 30x 0.00062.

Submissions (2):

Labcorp Genetics (formerly Invitae), Labcorp
Classification: Uncertain significance. Last evaluated: 2021-08-31. Review status: criteria provided, single submitter. Criteria: Invitae Variant Classification Sherloc (09022015). Collection method: clinical testing. Allele origin: germline.
Comment: This sequence change replaces arginine with glutamine at codon 11 of the CABP2 protein (p.Arg11Gln). The arginine residue is moderately conserved and there is a small physicochemical difference between arginine and glutamine. This variant is present in population databases (rs201383534, ExAC 0.4%). This variant has not been reported in the literature in individuals affected with CABP2-related conditions. ClinVar contains an entry for this variant (Variation ID: 517659). Algorithms developed to predict the effect of missense changes on protein structure and function output the following: SIFT: "Tolerated"; PolyPhen-2: "Benign"; Align-GVGD: "Class C0". The glutamine amino acid residue is found in multiple mammalian species, which suggests that this missense change does not adversely affect protein function. Algorithms developed to predict the effect of sequence changes on RNA splicing suggest that this variant may create or strengthen a splice site. In summary, the available evidence is currently insufficient to determine the role of this variant in disease. Therefore, it has been classified as a Variant of Uncertain Significance.

Laboratory for Molecular Medicine, Mass General Brigham Personalized Medicine
Classification: Uncertain significance. Last evaluated: 2017-12-14. Review status: criteria provided, single submitter. Criteria: LMM Criteria. Collection method: clinical testing. Allele origin: germline. Observed: 1 variant allele.
Comment: Variant classified as Uncertain Significance - Favor Benign. The p.Arg11Gln vari ant in CABP2 has not been previously reported in individuals with hearing loss, but has been identified in 0.2% (25/12534) of East Asian chromosomes by the Geno me Aggregation Database (gnomAD; dbSNP rs20138 3534). Computational prediction tools and conservation analysis suggest that thi s variant may not impact the protein, though this information is not predictive enough to rule out pathogenicity. While the clinical significance of the p.Arg11 Gln variant is uncertain, available evidence suggest that the p.Arg11Gln variant is more likely to be benign. ACMG/AMP Criteria applied: BP4.

NM_016366.3(CABP2):c.32G>A (p.Arg11Gln)

Gene: CABP2 (calcium binding protein 2; minus strand). Cytogenetic location: 11q13.2.
Variant type: single nucleotide variant.
Coding change: c.32G>A on transcript NM_016366.3 (MANE Select); coding-DNA position 32, G replaced by A.
Protein change: p.Arg11Gln; replaces arginine 11 with glutamine.
Molecular consequence: missense variant.
Genome position (GRCh38, 1-based): chr11:67,523,295, C>T on the plus strand (G>A on the coding strand, the complement: CABP2 is on the minus strand). VCF-style: chr11-67523295-C-T. GRCh37 (hg19) VCF-style: chr11-67290766-C-T.
Other names: c.46G>A, p.Gly16Arg (NM_001318496.2); short protein forms R11Q, G16R.
Identifiers: ClinVar variation 517659 (VCV000517659.9), dbSNP rs201383534, ClinGen allele CA6142600.